The following is an entry in ClinVar:

ClinVar aggregate classification (germline): Uncertain significance. Review status: criteria provided, multiple submitters, no conflicts (2 of 4 stars). 2 submissions from 2 submitters: Uncertain significance (2). Last evaluated 2024-11-04.

Conditions:
Multiple endocrine neoplasia type 4. Also called: MULTIPLE ENDOCRINE NEOPLASIA, TYPE IV. Identifiers: Orphanet 276152, MedGen C1970712, MONDO:0012552, OMIM 610755.
Hereditary cancer-predisposing syndrome. Also called: Neoplastic Syndromes, Hereditary; Hereditary Cancer Syndrome; Tumor predisposition; Hereditary neoplastic syndrome. Identifiers: Orphanet 140162, MedGen C0027672, MeSH D009386, MONDO:0015356.

Submissions (2):

Labcorp Genetics (formerly Invitae), Labcorp
Classification: Uncertain significance for Multiple endocrine neoplasia type 4. Last evaluated: 2024-11-04. Review status: criteria provided, single submitter. Criteria: Invitae Variant Classification Sherloc (09022015). Collection method: clinical testing. Allele origin: germline.
Comment: This sequence change replaces serine, which is neutral and polar, with arginine, which is basic and polar, at codon 10 of the CDKN1B protein (p.Ser10Arg). This variant is not present in population databases (gnomAD no frequency). This variant has not been reported in the literature in individuals affected with CDKN1B-related conditions. ClinVar contains an entry for this variant (Variation ID: 1439592). An algorithm developed to predict the effect of missense changes on protein structure and function (PolyPhen-2) suggests that this variant is likely to be disruptive. In summary, the available evidence is currently insufficient to determine the role of this variant in disease. Therefore, it has been classified as a Variant of Uncertain Significance.

Ambry Genetics
Classification: Uncertain significance for Hereditary cancer-predisposing syndrome. Last evaluated: 2021-09-29. Review status: criteria provided, single submitter. Criteria: Ambry Variant Classification Scheme 2023. Collection method: clinical testing. Allele origin: germline.
Comment: The p.S10R variant (also known as c.30C>G), located in coding exon 1 of the CDKN1B gene, results from a C to G substitution at nucleotide position 30. The serine at codon 10 is replaced by arginine, an amino acid with dissimilar properties. This amino acid position is highly conserved in available vertebrate species. In addition, the in silico prediction for this alteration is inconclusive. Since supporting evidence is limited at this time, the clinical significance of this alteration remains unclear.

NM_004064.5(CDKN1B):c.30C>G (p.Ser10Arg)

Gene: CDKN1B (cyclin dependent kinase inhibitor 1B; plus strand). Cytogenetic location: 12p13.1.
Variant type: single nucleotide variant.
Coding change: c.30C>G on transcript NM_004064.5 (MANE Select); coding-DNA position 30, C replaced by G.
Protein change: p.Ser10Arg; replaces serine 10 with arginine.
Molecular consequence: missense variant.
Genome position (GRCh38, 1-based): chr12:12,717,869, C>G. VCF-style: chr12-12717869-C-G. GRCh37 (hg19) VCF-style: chr12-12870803-C-G.
Other names: short protein forms S10R.
Identifiers: ClinVar variation 1439592 (VCV001439592.8), dbSNP rs990433180, ClinGen allele CA383968033.
Genomic context (GRCh38, chr12:12,717,869, plus strand): 5'-AGAGAGGCGGTCGTGCAGACCCGGGAGAAAGATGTCAAACGTGCGAGTGTCTAACGGGAG[C>G]CCTAGCCTGGAGCGGATGGACGCCAGGCAGGCGGAGCACCCCAAGCCCTCGGCCTGCAGG-3'
Protein context (NP_004055.1, residues 1-20): MSNVRVSNG[Ser10Arg]PSLERMDARQ